The following is an entry in ClinVar:

ClinVar aggregate classification (germline): Conflicting classifications of pathogenicity. Review status: criteria provided, conflicting classifications (1 of 4 stars). 8 submissions from 7 submitters: Uncertain significance (1); Benign (1); Likely benign (2). 4 of the submissions do not count toward it. Last evaluated 2025-12-29.

Conditions:
DMD-related disorder. Also called: DMD-related condition.
Becker muscular dystrophy (BMD). Also called: Becker Muscular Dystrophy (BMD); MUSCULAR DYSTROPHY, PSEUDOHYPERTROPHIC PROGRESSIVE, BECKER TYPE. Identifiers: Orphanet 98895, MedGen C0917713, MONDO:0010311, OMIM 300376.
Duchenne muscular dystrophy (DMD). Also called: Duchenne Muscular Dystrophy (DMD); MUSCULAR DYSTROPHY, PSEUDOHYPERTROPHIC PROGRESSIVE, DUCHENNE TYPE. Identifiers: Orphanet 98896, MedGen C0013264, MONDO:0010679, OMIM 310200.
Cardiomyopathy (CMYO). Also called: Cardiomyopathies. Identifiers: Orphanet 167848, MedGen C0878544, MONDO:0004994, HP:0001638. Inheritance: Various modes of inheritance.
Dystrophin deficiency.
Primary dilated cardiomyopathy (DCM). Also called: Dilated Cardiomyopathy. Identifiers: Orphanet 217604, MedGen C0007193, MeSH D002311, MONDO:0005021, HP:0001644. Inheritance: Various modes of inheritance.
Dilated cardiomyopathy 3B (CMD3B). Also called: CMD3B: DMD-Related Dilated Cardiomyopathy; CARDIOMYOPATHY, DILATED, X-LINKED; DMD-Associated Dilated Cardiomyopathy. Identifiers: Orphanet 154, MedGen C3668940, MONDO:0010542, OMIM 302045.
Cardiovascular phenotype. Identifiers: MedGen CN230736.
Left ventricular noncompaction cardiomyopathy. Also called: left ventricular non-compaction cardiomyopathy. Identifiers: MedGen C4021133, HP:0011664.

Allele frequency attached by ClinVar (database versions not stated): TOPMed 0.00007; ESP Exome Variant Server 0.00009; gnomAD 0.00019 and 0.00023; gnomAD exomes 0.00022 and 0.00030; ExAC 0.00031.

Submissions (8):

Labcorp Genetics (formerly Invitae), Labcorp
Classification: Benign for Duchenne muscular dystrophy. Last evaluated: 2025-12-29. Review status: criteria provided, single submitter. Criteria: Invitae Variant Classification Sherloc (09022015). Collection method: clinical testing. Allele origin: germline.

Ambry Genetics
Classification: Likely benign for Cardiovascular phenotype. Last evaluated: 2018-12-18. Review status: criteria provided, single submitter. Criteria: Ambry Variant Classification Scheme 2023. Collection method: clinical testing. Allele origin: germline.

GeneDx
Classification: Likely benign. Last evaluated: 2018-05-23. Review status: criteria provided, single submitter. Criteria: GeneDx Variant Classification Process June 2021. Collection method: clinical testing. Allele origin: germline. Affected: yes.
Comment: This variant is associated with the following publications: (PMID: 19937601, 28416588)

Illumina Laboratory Services, Illumina
Classification: Uncertain significance for Dilated cardiomyopathy 3B. Last evaluated: 2017-04-27. Review status: criteria provided, single submitter. Criteria: ICSL Variant Classification Criteria 13 December 2019. Collection method: clinical testing. Allele origin: germline.

PreventionGenetics, part of Exact Sciences
Classification: Likely benign for DMD-related condition. Last evaluated: 2022-08-30. Review status: no assertion criteria provided. Collection method: clinical testing. Allele origin: germline. Not counted in ClinVar's aggregate classification.
Comment: This variant is classified as likely benign based on ACMG/AMP sequence variant interpretation guidelines (Richards et al. 2015 PMID: 25741868, with internal and published modifications).

Natera, Inc.
Classification: Likely benign for Becker muscular dystrophy; Cardiomyopathy; Duchenne muscular dystrophy; Dystrophin deficiency. Last evaluated: 2018-06-26. Review status: no assertion criteria provided. Collection method: clinical testing. Allele origin: germline. Not counted in ClinVar's aggregate classification.

Blueprint Genetics
Classification: Uncertain significance for Left ventricular noncompaction cardiomyopathy. Last evaluated: 2014-09-29. Review status: no assertion criteria provided. Collection method: clinical testing. Allele origin: germline. Affected: yes. Observed: 1 variant allele. Not counted in ClinVar's aggregate classification.

Blueprint Genetics
Classification: Uncertain significance for Primary dilated cardiomyopathy. Last evaluated: 2014-09-29. Review status: no assertion criteria provided. Collection method: clinical testing. Allele origin: germline. Affected: yes. Observed: 1 variant allele. Not counted in ClinVar's aggregate classification.

Literature cited by the submitters: PubMed 19937601 (cited by Ambry Genetics).

NM_004006.3(DMD):c.1337A>G (p.His446Arg)

Gene: DMD (dystrophin; minus strand). Cytogenetic location: Xp21.1.
Variant type: single nucleotide variant.
Coding change: c.1337A>G on transcript NM_004006.3 (MANE Select); coding-DNA position 1337, A replaced by G.
Protein change: p.His446Arg; replaces histidine 446 with arginine.
Molecular consequence: missense variant.
Genome position (GRCh38, 1-based): chrX:32,614,448, T>C on the plus strand (A>G on the coding strand, the complement: DMD is on the minus strand). VCF-style: chrX-32614448-T-C. GRCh37 (hg19) VCF-style: chrX-32632565-T-C.
Other names: p.H446R:CAT>CGT; c.1313A>G, p.His438Arg (NM_000109.4); c.1325A>G, p.His442Arg (NM_004009.3); c.968A>G, p.His323Arg (NM_004010.3); short protein forms H438R, H323R, H442R.
Identifiers: ClinVar variation 94461 (VCV000094461.25), dbSNP rs72468699, ClinGen allele CA285523.
Genomic context (GRCh38, chrX:32,614,448, plus strand): 5'-TTTGTTAGCCAGTCATTCAACTCTTTCAGTTTCTGATTCTGGAGATCCATTAAAACTCTA[T>C]GTAAACTGAAAATTTGAAAGAAGCCTATTATGACCTCTTTGAAAGCAACTTATTACTGAA-3'
Protein context (NP_003997.2, residues 436-456): VASMEKQSNL[His446Arg]RVLMDLQNQK